The following is an entry in ClinVar:

NM_000548.5(TSC2):c.5395T>G (p.Ser1799Ala)

Gene: TSC2 (TSC complex subunit 2; plus strand). Cytogenetic location: 16p13.3.
Variant type: single nucleotide variant.
Coding change: c.5395T>G on transcript NM_000548.5 (MANE Select); coding-DNA position 5395, T replaced by G.
Protein change: p.Ser1799Ala; replaces serine 1799 with alanine.
Molecular consequence: missense variant.
Genome position (GRCh38, 1-based): chr16:2,088,581, T>G. VCF-style: chr16-2088581-T-G. GRCh37 (hg19) VCF-style: chr16-2138582-T-G.
Other names: c.5395T>G (NM_000548.3); c.5194T>G, p.Ser1732Ala (NM_001077183.3); c.5326T>G, p.Ser1776Ala (NM_001114382.3); c.5086T>G, p.Ser1696Ala (NM_001318827.2); c.5050T>G, p.Ser1684Ala (NM_001318829.2); c.4663T>G, p.Ser1555Ala (NM_001318831.2); c.5227T>G, p.Ser1743Ala (NM_001318832.2); c.5197T>G, p.Ser1733Ala (NM_001363528.2); and 3 more; short protein forms S1555A, S1733A, S1743A, S1732A, S1752A, S1756A, S1755A, S1776A.
Identifiers: ClinVar variation 1379364 (VCV001379364.7), dbSNP rs1231583517, ClinGen allele CA394316116.

ClinVar aggregate classification (germline): Uncertain significance. Review status: criteria provided, multiple submitters, no conflicts (2 of 4 stars). 2 submissions from 2 submitters: Uncertain significance (2). Last evaluated 2024-11-23.

Conditions:
Hereditary cancer-predisposing syndrome. Also called: Tumor predisposition; Hereditary neoplastic syndrome; Neoplastic Syndromes, Hereditary; Hereditary Cancer Syndrome. Identifiers: Orphanet 140162, MedGen C0027672, MeSH D009386, MONDO:0015356.
Tuberous sclerosis 2 (TSC2). Identifiers: Orphanet 805, MedGen C1860707, MONDO:0013199, OMIM 613254.

Submissions (2):

Ambry Genetics
Classification: Uncertain significance for Hereditary cancer-predisposing syndrome. Last evaluated: 2024-11-23. Review status: criteria provided, single submitter. Criteria: Ambry Variant Classification Scheme 2023. Collection method: clinical testing. Allele origin: germline.

Labcorp Genetics (formerly Invitae), Labcorp
Classification: Uncertain significance for Tuberous sclerosis 2. Last evaluated: 2021-11-13. Review status: criteria provided, single submitter. Criteria: Invitae Variant Classification Sherloc (09022015). Collection method: clinical testing. Allele origin: germline.
Comment: In summary, the available evidence is currently insufficient to determine the role of this variant in disease. Therefore, it has been classified as a Variant of Uncertain Significance. Advanced modeling of protein sequence and biophysical properties (such as structural, functional, and spatial information, amino acid conservation, physicochemical variation, residue mobility, and thermodynamic stability) performed at Invitae indicates that this missense variant is not expected to disrupt TSC2 protein function. This variant has not been reported in the literature in individuals affected with TSC2-related conditions. This variant is not present in population databases (gnomAD no frequency). This sequence change replaces serine, which is neutral and polar, with alanine, which is neutral and non-polar, at codon 1799 of the TSC2 protein (p.Ser1799Ala).